The following is an entry in ClinVar:

NM_014844.5(TECPR2):c.-3G>A

Gene: TECPR2 (tectonin beta-propeller repeat containing 2; plus strand). Cytogenetic location: 14q32.31.
Variant type: single nucleotide variant.
Coding change: c.-3G>A on transcript NM_014844.5 (MANE Select); 3 bases upstream of the start codon, G replaced by A.
Molecular consequence: 5 prime UTR variant.
Genome position (GRCh38, 1-based): chr14:102,376,719, G>A. VCF-style: chr14-102376719-G-A. GRCh37 (hg19) VCF-style: chr14-102843056-G-A.
Other names: c.-3G>A (NM_001172631.3, NM_014844.4).
Identifiers: ClinVar variation 989657 (VCV000989657.5), dbSNP rs190179991, ClinGen allele CA7357309.

ClinVar aggregate classification (germline): Likely benign. Review status: criteria provided, multiple submitters, no conflicts (2 of 4 stars). 3 submissions from 3 submitters: Likely benign (2). 1 of the submissions does not count toward it. Last evaluated 2026-05-11.

Conditions:
TECPR2-related disorder. Also called: TECPR2-related condition.
Hereditary spastic paraplegia 49 (HSAN9). Also called: Spastic paraplegia 49, autosomal recessive; NEUROPATHY, HEREDITARY SENSORY AND AUTONOMIC, TYPE IX, WITH DEVELOPMENTAL DELAY; TECPR2-Related Hereditary Sensory and Autonomic Neuropathy with Intellectual Disability. Identifiers: Orphanet 320385, MedGen C5190860, MONDO:0014016, OMIM 615031.

Allele frequency attached by ClinVar (database versions not stated): gnomAD 0.00010; gnomAD exomes 0.00011 and 0.00054; 1000 Genomes Project 0.00020; TOPMed 0.00025; 1000 Genomes Project 30x 0.00031; ExAC 0.00038.

Submissions (3):

PreventionGenetics, part of Exact Sciences
Classification: Likely benign for TECPR2-related condition. Last evaluated: 2026-05-11. Review status: criteria provided, single submitter. Criteria: ACMG Guidelines, 2015. Collection method: clinical testing. Allele origin: germline.
Comment: This variant is classified as likely benign based on ACMG/AMP sequence variant interpretation guidelines (Richards et al. 2015 PMID: 25741868, with internal and published modifications).

GeneDx
Classification: Likely benign. Last evaluated: 2020-09-16. Review status: criteria provided, single submitter. Criteria: GeneDx Variant Classification Process June 2021. Collection method: clinical testing. Allele origin: germline. Affected: yes.

Natera, Inc.
Classification: Benign for Autosomal recessive spastic paraplegia type 49. Last evaluated: 2020-04-16. Review status: no assertion criteria provided. Collection method: clinical testing. Allele origin: germline. Not counted in ClinVar's aggregate classification.